The following is an entry in ClinVar:

ClinVar aggregate classification (germline): Likely benign (1 of 4 stars; one submission).

Allele frequency attached by ClinVar (database versions not stated): 1000 Genomes Project 0.00040; 1000 Genomes Project 30x 0.00047; TOPMed 0.00067; ESP Exome Variant Server 0.00097; gnomAD exomes 0.00122; gnomAD 0.00155; ExAC 0.00163.
gnomAD v4.1: 1,989 of 1,597,646 alleles (0.12%); highest among the groups gnomAD compares: Non-Finnish European, 0.11%; 147 homozygotes.

Submission:

CeGaT Center for Human Genetics Tuebingen
Classification: Likely benign. Last evaluated: 2024-11-01. Review status: criteria provided, single submitter. Criteria: CeGaT Center For Human Genetics Tuebingen Variant Classification Criteria Version 2. Collection method: clinical testing. Allele origin: germline. Affected: yes. Observed: 5 variant alleles.
Comment: PCDHA10: BS2

NM_018901.4(PCDHA10):c.2017C>T (p.Gln673Ter)

Genes: PCDHA1 (protocadherin alpha 1; plus strand), PCDHA10 (protocadherin alpha 10; plus strand), PCDHA2 (protocadherin alpha 2; plus strand), PCDHA3 (protocadherin alpha 3; plus strand), PCDHA4 (protocadherin alpha 4; plus strand) and 6 more. Cytogenetic location: 5q31.3.
Variant type: single nucleotide variant.
Coding change: c.2017C>T on transcript NM_018901.4 (MANE Select); coding-DNA position 2017, C replaced by T.
Protein change: p.Gln673Ter; replaces glutamine 673 with a stop codon.
Molecular consequence: nonsense. On other transcripts: intron variant (12).
Genome position (GRCh38, 1-based): chr5:140,858,065, C>T. VCF-style: chr5-140858065-C-T. GRCh37 (hg19) VCF-style: chr5-140237650-C-T.
Other names: c.2017C>T, p.Gln673Ter (NM_031859.3); c.2394+69381C>T (NM_018900.4); c.1602+70173C>T (NM_031411.3); c.2388+60713C>T (NM_018905.3); c.2394+54474C>T (NM_018906.3); c.2385+48493C>T (NM_018907.4); c.2352+33938C>T (NM_018908.3); c.2394+27580C>T (NM_018909.4); and 5 more; short protein forms Q673*.
Identifiers: ClinVar variation 2655783 (VCV002655783.24), dbSNP rs200661444, ClinGen allele CA3451357.